The following is an entry in ClinVar:

NM_001430.5(EPAS1):c.491C>G (p.Thr164Arg)

Genes: EPAS1 (endothelial PAS domain protein 1; plus strand), LOC126806210 (BRD4-independent group 4 enhancer GRCh37_chr2:46587586-46588785; plus strand). Cytogenetic location: 2p21.
Variant type: single nucleotide variant.
Coding change: c.491C>G on transcript NM_001430.5 (MANE Select); coding-DNA position 491, C replaced by G.
Protein change: p.Thr164Arg; replaces threonine 164 with arginine.
Molecular consequence: missense variant.
Genome position (GRCh38, 1-based): chr2:46,360,674, C>G. VCF-style: chr2-46360674-C-G. GRCh37 (hg19) VCF-style: chr2-46587813-C-G.
Other names: short protein forms T164R.
Identifiers: ClinVar variation 1744102 (VCV001744102.2), dbSNP rs2546454913, ClinGen allele CA346699078.
Genomic context (GRCh38, chr2:46,360,674, plus strand): 5'-TTCTTCCCATCCTTCCACATCCAGGCTCTGGTTTTGGGAAAAAAAGCAAAGACATGTCCA[C>G]AGAGCGGGACTTCTTCATGAGGATGAAGTGCACGGTCACCAACAGAGGCCGTACTGTCAA-3'
Protein context (NP_001421.2, residues 154-174): GFGKKSKDMS[Thr164Arg]ERDFFMRMKC

ClinVar aggregate classification (germline): Uncertain significance (1 of 4 stars; one submission).

Conditions:
Inborn genetic diseases. Identifiers: MedGen C0950123, MeSH D030342.

Submission:

Ambry Genetics
Classification: Uncertain significance for Inborn genetic diseases. Last evaluated: 2022-03-20. Review status: criteria provided, single submitter. Criteria: Ambry Variant Classification Scheme 2023. Collection method: clinical testing. Allele origin: germline.
Comment: The p.T164R variant (also known as c.491C>G), located in coding exon 5 of the EPAS1 gene, results from a C to G substitution at nucleotide position 491. The threonine at codon 164 is replaced by arginine, an amino acid with similar properties. This amino acid position is conserved. In addition, this alteration is predicted to be tolerated by in silico analysis. Since supporting evidence is limited at this time, the clinical significance of this alteration remains unclear.